The following is an entry in ClinVar:

ClinVar aggregate classification (germline): Uncertain significance (1 of 4 stars; one submission).

Conditions:
Hereditary cancer-predisposing syndrome. Also called: Neoplastic Syndromes, Hereditary; Tumor predisposition; Hereditary neoplastic syndrome; Hereditary Cancer Syndrome. Identifiers: Orphanet 140162, MedGen C0027672, MeSH D009386, MONDO:0015356.

Submission:

Ambry Genetics
Classification: Uncertain significance for Hereditary cancer-predisposing syndrome. Last evaluated: 2026-07-06. Review status: criteria provided, single submitter. Criteria: Ambry Variant Classification Scheme 2023. Collection method: clinical testing. Allele origin: germline.
Comment: The p.T133A variant (also known as c.397A>G), located in coding exon 5 of the PMS2 gene, results from an A to G substitution at nucleotide position 397. The threonine at codon 133 is replaced by alanine, an amino acid with similar properties. This amino acid position is conserved. In addition, this alteration is predicted to be deleterious by in silico analysis. Based on the available evidence, the clinical significance of this variant remains unclear.

NM_000535.7(PMS2):c.397A>G (p.Thr133Ala)

Gene: PMS2 (PMS1 homolog 2, mismatch repair system component; minus strand). Cytogenetic location: 7p22.1.
Variant type: single nucleotide variant.
Coding change: c.397A>G on transcript NM_000535.7 (MANE Select); coding-DNA position 397, A replaced by G.
Protein change: p.Thr133Ala; replaces threonine 133 with alanine.
Molecular consequence: missense variant. On other transcripts: 5 prime UTR variant (29), non-coding transcript variant (1), intron variant (1).
Genome position (GRCh38, 1-based): chr7:6,002,593, T>C on the plus strand (A>G on the coding strand, the complement: PMS2 is on the minus strand). VCF-style: chr7-6002593-T-C. GRCh37 (hg19) VCF-style: chr7-6042224-T-C.
Other names: c.88A>G, p.Thr30Ala (NM_001406878.1, NM_001406879.1, NM_001406880.1 and 6 more transcripts); c.79A>G, p.Thr27Ala (NM_001406883.1, NM_001322007.2, NM_001322008.2 and 4 more transcripts); c.397A>G, p.Thr133Ala (NM_001406884.1, NM_001406886.1, NM_001406912.1 and 8 more transcripts); c.-9A>G (NM_001406887.1, NM_001406888.1, NM_001406889.1 and 24 more transcripts); c.250+1379A>G (NM_001406885.1); c.-488A>G (NM_001322011.2, NM_001322012.2); c.583A>G, p.Thr195Ala (NM_001406866.1); c.421A>G, p.Thr141Ala (NM_001406868.1); short protein forms T133A, T141A, T30A, T195A, T27A.
Identifiers: ClinVar variation 5026913 (VCV005026913.1).